The following is an entry in ClinVar:

ClinVar aggregate classification (germline): Uncertain significance (1 of 4 stars; one submission).

Conditions:
Arrhythmogenic cardiomyopathy with wooly hair and keratoderma. Also called: PALMOPLANTAR KERATODERMA WITH LEFT VENTRICULAR CARDIOMYOPATHY AND WOOLLY HAIR; Arrhythmogenic cardiomyopathy with woolly hair and keratoderma; Carvajal syndrome; Dilated cardiomyopathy with woolly hair and keratoderma. Identifiers: Orphanet 65282, MedGen C1854063, MONDO:0011581, OMIM 605676.
Arrhythmogenic right ventricular dysplasia 8 (ARVD8). Also called: Arrhythmogenic Right Ventricular Dysplasia/Cardiomyopathy 8; ARRHYTHMOGENIC RIGHT VENTRICULAR DYSPLASIA, FAMILIAL, 8; ARRHYTHMOGENIC RIGHT VENTRICULAR CARDIOMYOPATHY 8. Identifiers: MedGen C1843896, MONDO:0011831, OMIM 607450.

Allele frequency attached by ClinVar (database versions not stated): gnomAD exomes below 0.00001.
gnomAD v4.1: 1 of 1,614,134 alleles (0.000062%); no homozygotes.

Submission:

Labcorp Genetics (formerly Invitae), Labcorp
Classification: Uncertain significance for Arrhythmogenic cardiomyopathy with wooly hair and keratoderma; Arrhythmogenic right ventricular dysplasia 8. Last evaluated: 2026-01-27. Review status: criteria provided, single submitter. Criteria: Invitae Variant Classification Sherloc (09022015). Collection method: clinical testing. Allele origin: germline.
Comment: This sequence change replaces methionine, which is neutral and non-polar, with isoleucine, which is neutral and non-polar, at codon 2707 of the DSP protein (p.Met2707Ile). This variant is not present in population databases (gnomAD no frequency). This variant has not been reported in the literature in individuals affected with DSP-related conditions. ClinVar contains an entry for this variant (Variation ID: 1465367). An algorithm developed to predict the effect of missense changes on protein structure and function (PolyPhen-2) suggests that this variant is likely to be disruptive. In summary, the available evidence is currently insufficient to determine the role of this variant in disease. Therefore, it has been classified as a Variant of Uncertain Significance.

NM_004415.4(DSP):c.8121G>T (p.Met2707Ile)

Gene: DSP (desmoplakin; plus strand). Cytogenetic location: 6p24.3.
Variant type: single nucleotide variant.
Coding change: c.8121G>T on transcript NM_004415.4 (MANE Select); coding-DNA position 8121, G replaced by T.
Protein change: p.Met2707Ile; replaces methionine 2707 with isoleucine.
Molecular consequence: missense variant.
Genome position (GRCh38, 1-based): chr6:7,585,383, G>T. VCF-style: chr6-7585383-G-T. GRCh37 (hg19) VCF-style: chr6-7585616-G-T.
Other names: c.6324G>T, p.Met2108Ile (NM_001008844.3); c.6792G>T, p.Met2264Ile (NM_001319034.2); short protein forms M2264I, M2707I, M2108I.
Identifiers: ClinVar variation 1465367 (VCV001465367.8), dbSNP rs2113704161, ClinGen allele CA362694486.